The following is an entry in ClinVar:

ClinVar aggregate classification (germline): Uncertain significance (1 of 4 stars; one submission).

Conditions:
X-linked agammaglobulinemia with growth hormone deficiency (IGHD3). Also called: AGAMMAGLOBULINEMIA AND ISOLATED GROWTH HORMONE DEFICIENCY, X-LINKED; FLEISHER SYNDROME; HYPOGAMMAGLOBULINEMIA AND ISOLATED GROWTH HORMONE DEFICIENCY, X-LINKED; IGHD III; ISOLATED GROWTH HORMONE DEFICIENCY, TYPE III, WITH AGAMMAGLOBULINEMIA; Isolated growth hormone deficiency type 3. Identifiers: Orphanet 231692, Orphanet 631, MedGen C0472813, MONDO:0010615, OMIM 307200.

Submission:

Labcorp Genetics (formerly Invitae), Labcorp
Classification: Uncertain significance for X-linked agammaglobulinemia with growth hormone deficiency. Last evaluated: 2024-03-04. Review status: criteria provided, single submitter. Criteria: Invitae Variant Classification Sherloc (09022015). Collection method: clinical testing. Allele origin: germline.
Comment: This sequence change replaces glutamine, which is neutral and polar, with histidine, which is basic and polar, at codon 497 of the BTK protein (p.Gln497His). The frequency data for this variant in the population databases is considered unreliable, as metrics indicate poor data quality at this position in the gnomAD database. This variant has not been reported in the literature in individuals affected with BTK-related conditions. Advanced modeling of protein sequence and biophysical properties (such as structural, functional, and spatial information, amino acid conservation, physicochemical variation, residue mobility, and thermodynamic stability) performed at Invitae indicates that this missense variant is not expected to disrupt BTK protein function with a negative predictive value of 80%. In summary, the available evidence is currently insufficient to determine the role of this variant in disease. Therefore, it has been classified as a Variant of Uncertain Significance.

NM_000061.3(BTK):c.1491G>C (p.Gln497His)

Gene: BTK (Bruton tyrosine kinase; minus strand). Cytogenetic location: Xq22.1.
Variant type: single nucleotide variant.
Coding change: c.1491G>C on transcript NM_000061.3 (MANE Select); coding-DNA position 1491, G replaced by C.
Protein change: p.Gln497His; replaces glutamine 497 with histidine.
Molecular consequence: missense variant. On other transcripts: intron variant (1).
Genome position (GRCh38, 1-based): chrX:101,356,127, C>G on the plus strand (G>C on the coding strand, the complement: BTK is on the minus strand). VCF-style: chrX-101356127-C-G. GRCh37 (hg19) VCF-style: chrX-100611115-C-G.
Other names: c.1593G>C, p.Gln531His (NM_001287344.2); c.1039-1433G>C (NM_001287345.2); short protein forms Q497H, Q531H.
Identifiers: ClinVar variation 3668794 (VCV003668794.2).